The following is an entry in ClinVar:

NM_000903.3(NQO1):c.602G>T (p.Arg201Leu)

Gene: NQO1 (NAD(P)H quinone dehydrogenase 1; minus strand). Cytogenetic location: 16q22.1.
Variant type: single nucleotide variant.
Coding change: c.602G>T on transcript NM_000903.3 (MANE Select); coding-DNA position 602, G replaced by T.
Protein change: p.Arg201Leu; replaces arginine 201 with leucine.
Molecular consequence: missense variant.
Genome position (GRCh38, 1-based): chr16:69,711,199, C>A on the plus strand (G>T on the coding strand, the complement: NQO1 is on the minus strand). VCF-style: chr16-69711199-C-A. GRCh37 (hg19) VCF-style: chr16-69745102-C-A.
Other names: c.500G>T, p.Arg167Leu (NM_001025433.2); c.488G>T, p.Arg163Leu (NM_001025434.2); c.386G>T, p.Arg129Leu (NM_001286137.2); short protein forms R163L, R129L, R167L, R201L.
Identifiers: ClinVar variation 1751176 (VCV001751176.2), dbSNP rs766847268, ClinGen allele CA396487790.

ClinVar aggregate classification (germline): Uncertain significance (1 of 4 stars; one submission).

Submission:

Ambry Genetics
Classification: Uncertain significance. Last evaluated: 2021-12-11. Review status: criteria provided, single submitter. Criteria: Ambry Variant Classification Scheme 2023. Collection method: clinical testing. Allele origin: germline.
Comment: The p.R201L variant (also known as c.602G>T), located in coding exon 6 of the NQO1 gene, results from a G to T substitution at nucleotide position 602. The arginine at codon 201 is replaced by leucine, an amino acid with dissimilar properties. This amino acid position is conserved. In addition, the in silico prediction for this alteration is inconclusive. Since supporting evidence is limited at this time, the clinical significance of this alteration remains unclear.